The following is an entry in ClinVar:

NM_000179.3(MSH6):c.1939C>G (p.Leu647Val)

Gene: MSH6 (mutS homolog 6; plus strand). Cytogenetic location: 2p16.3.
Variant type: single nucleotide variant.
Coding change: c.1939C>G on transcript NM_000179.3 (MANE Select); coding-DNA position 1939, C replaced by G.
Protein change: p.Leu647Val; replaces leucine 647 with valine.
Molecular consequence: missense variant.
Genome position (GRCh38, 1-based): chr2:47,799,922, C>G. VCF-style: chr2-47799922-C-G. GRCh37 (hg19) VCF-style: chr2-48027061-C-G.
Other names: c.1549C>G, p.Leu517Val (NM_001281492.2); c.1033C>G, p.Leu345Val (NM_001281493.2, NM_001281494.2); short protein forms L345V, L517V, L647V.
Identifiers: ClinVar variation 1331853 (VCV001331853.13), dbSNP rs2104377614, ClinGen allele CA346750452.
Genomic context (GRCh38, chr2:47,799,922, plus strand): 5'-TTTTGGGATGCATCCAAAACTTTGAGAACTCTCCTTGAGGAAGAATATTTTAGGGAAAAG[C>G]TAAGTGATGGCATTGGGGTGATGTTACCCCAGGTGCTTAAAGGTATGACTTCAGAGTCTG-3'
Protein context (NP_000170.1, residues 637-657): LLEEEYFREK[Leu647Val]SDGIGVMLPQ

ClinVar aggregate classification (germline): Uncertain significance. Review status: criteria provided, multiple submitters, no conflicts (2 of 4 stars). 3 submissions from 3 submitters: Uncertain significance (3). Last evaluated 2025-02-12.

Conditions:
Hereditary cancer-predisposing syndrome. Also called: Tumor predisposition; Hereditary Cancer Syndrome; Neoplastic Syndromes, Hereditary; Hereditary neoplastic syndrome. Identifiers: Orphanet 140162, MedGen C0027672, MeSH D009386, MONDO:0015356.
Hereditary nonpolyposis colorectal neoplasms. Identifiers: MedGen C0009405, MeSH D003123.

Submissions (3):

Ambry Genetics
Classification: Uncertain significance for Hereditary cancer-predisposing syndrome. Last evaluated: 2025-02-12. Review status: criteria provided, single submitter. Criteria: Ambry Variant Classification Scheme 2023. Collection method: clinical testing. Allele origin: germline.
Comment: The p.L647V variant (also known as c.1939C>G), located in coding exon 4 of the MSH6 gene, results from a C to G substitution at nucleotide position 1939. The leucine at codon 647 is replaced by valine, an amino acid with highly similar properties. This amino acid position is not well conserved in available vertebrate species. In addition, this alteration is predicted to be tolerated by in silico analysis. Based on the available evidence, the clinical significance of this variant remains unclear.

Labcorp Genetics (formerly Invitae), Labcorp
Classification: Uncertain significance for Hereditary nonpolyposis colorectal neoplasms. Last evaluated: 2022-10-28. Review status: criteria provided, single submitter. Criteria: Invitae Variant Classification Sherloc (09022015). Collection method: clinical testing. Allele origin: germline.
Comment: Advanced modeling of protein sequence and biophysical properties (such as structural, functional, and spatial information, amino acid conservation, physicochemical variation, residue mobility, and thermodynamic stability) performed at Invitae indicates that this missense variant is not expected to disrupt MSH6 protein function. ClinVar contains an entry for this variant (Variation ID: 1331853). This variant has not been reported in the literature in individuals affected with MSH6-related conditions. This variant is not present in population databases (gnomAD no frequency). This sequence change replaces leucine, which is neutral and non-polar, with valine, which is neutral and non-polar, at codon 647 of the MSH6 protein (p.Leu647Val). Algorithms developed to predict the effect of sequence changes on RNA splicing suggest that this variant may create or strengthen a splice site. In summary, the available evidence is currently insufficient to determine the role of this variant in disease. Therefore, it has been classified as a Variant of Uncertain Significance.

Color Diagnostics, LLC DBA Color Health
Classification: Uncertain significance for Hereditary cancer-predisposing syndrome. Last evaluated: 2021-03-15. Review status: criteria provided, single submitter. Criteria: ACMG Guidelines, 2015. Collection method: clinical testing. Allele origin: germline.
Comment: This missense variant replaces leucine with valine at codon 647 of the MSH6 protein. Computational prediction suggests that this variant may not impact protein structure and function (internally defined REVEL score threshold <= 0.5, PMID: 27666373). To our knowledge, functional studies have not been reported for this variant. This variant has not been reported in individuals affected with hereditary cancer in the literature. This variant has not been identified in the general population by the Genome Aggregation Database (gnomAD). The available evidence is insufficient to determine the role of this variant in disease conclusively. Therefore, this variant is classified as a Variant of Uncertain Significance.